The following is an entry in ClinVar:

NM_002828.4(PTPN2):c.22G>T (p.Glu8Ter)

Gene: PTPN2 (protein tyrosine phosphatase non-receptor type 2; minus strand). Cytogenetic location: 18p11.21.
Variant type: single nucleotide variant.
Coding change: c.22G>T on transcript NM_002828.4 (MANE Select); coding-DNA position 22, G replaced by T.
Protein change: p.Glu8Ter; replaces glutamic acid 8 with a stop codon.
Molecular consequence: nonsense.
Genome position (GRCh38, 1-based): chr18:12,884,120, C>A on the plus strand (G>T on the coding strand, the complement: PTPN2 is on the minus strand). VCF-style: chr18-12884120-C-A. GRCh37 (hg19) VCF-style: chr18-12884119-C-A.
Other names: c.22G>T, p.Glu8Ter (NM_001207013.2, NM_080422.3, NM_080423.3); short protein forms E8*.
Identifiers: ClinVar variation 3767659 (VCV003767659.1).

ClinVar aggregate classification (germline): Uncertain significance (1 of 4 stars; one submission).

Submission:

GeneDx
Classification: Uncertain significance. Last evaluated: 2024-02-16. Review status: criteria provided, single submitter. Criteria: GeneDx Variant Classification Process June 2021. Collection method: clinical testing. Allele origin: germline. Affected: yes.
Comment: Not observed at significant frequency in large population cohorts (gnomAD); Nonsense variant predicted to result in protein truncation or nonsense mediated decay in a gene or region of a gene for which loss of function is not a well-established mechanism of disease; Has not been previously published as pathogenic or benign to our knowledge; Variants in candidate genes are classified as variants of uncertain significance in accordance with ACMG guidelines (PMID: 25741868)